The following is an entry in ClinVar:

ClinVar aggregate classification (germline): Likely benign (1 of 4 stars; one submission).

Conditions:
Familial cancer of breast. Also called: BREAST CANCER, FAMILIAL; Hereditary breast cancer; hereditary breast carcinoma. Identifiers: Orphanet 227535, MedGen C0346153, MONDO:0016419, OMIM 114480. Disease mechanism: loss of function.

Submission:

Myriad Genetics, Inc.
Classification: Likely benign for Familial cancer of breast. Last evaluated: 2024-05-17. Review status: criteria provided, single submitter. Criteria: Myriad Autosomal Dominant, Autosomal Recessive and X-Linked Classification Criteria (2023). Collection method: clinical testing. Allele origin: unknown.
Comment: This variant is considered likely benign. This variant is intronic and is not expected to impact mRNA splicing.

NM_000051.4(ATM):c.4436+8del

Gene: ATM (ATM serine/threonine kinase; plus strand). Cytogenetic location: 11q22.3.
Variant type: Deletion.
Coding change: c.4436+8del on transcript NM_000051.4 (MANE Select); 8 bases into the intron after coding-DNA position 4436, one base deleted (A; older notation c.4436+8delA).
Molecular consequence: intron variant.
Genome position (GRCh38, 1-based): chr11:108,289,809, A deleted; the last of 2 consecutive A bases (chr11:108,289,808-108,289,809); deleting either gives the same sequence. VCF-style (leftmost placement, unchanged base first): chr11-108289807-TA-T. GRCh37 (hg19) VCF-style: chr11-108160534-TA-T.
Other names: c.4436+8del (NM_001351834.2).
Identifiers: ClinVar variation 3254129 (VCV003254129.1), dbSNP rs1591664120.